The following is an entry in ClinVar:

ClinVar aggregate classification (germline): Uncertain significance. Review status: criteria provided, multiple submitters, no conflicts (2 of 4 stars). 2 submissions from 2 submitters: Uncertain significance (2). Last evaluated 2025-01-01.

Conditions:
Spastic ataxia 2. Also called: Ataxia, spastic, 2, autosomal recessive. Identifiers: Orphanet 397946, MedGen C1969796, MONDO:0012651, OMIM 611302.
Inborn genetic diseases. Identifiers: MedGen C0950123, MeSH D030342.

Allele frequency attached by ClinVar (database versions not stated): gnomAD exomes 0.00002; TOPMed 0.00002; gnomAD 0.00003.
gnomAD v4.1: 31 of 1,584,064 alleles (0.002%); highest among the groups gnomAD compares: African/African-American, 0.004%; no homozygotes.

Submissions (2):

Ambry Genetics
Classification: Uncertain significance for Inborn genetic diseases. Last evaluated: 2025-01-01. Review status: criteria provided, single submitter. Criteria: Ambry Variant Classification Scheme 2023. Collection method: clinical testing. Allele origin: germline.

Labcorp Genetics (formerly Invitae), Labcorp
Classification: Uncertain significance for Spastic ataxia 2. Last evaluated: 2021-08-28. Review status: criteria provided, single submitter. Criteria: Invitae Variant Classification Sherloc (09022015). Collection method: clinical testing. Allele origin: germline.
Comment: This sequence change replaces glycine with arginine at codon 793 of the KIF1C protein (p.Gly793Arg). The glycine residue is moderately conserved and there is a moderate physicochemical difference between glycine and arginine. This variant is not present in population databases (ExAC no frequency). This variant has not been reported in the literature in individuals affected with KIF1C-related conditions. Algorithms developed to predict the effect of missense changes on protein structure and function (SIFT, PolyPhen-2, Align-GVGD) all suggest that this variant is likely to be tolerated. In summary, the available evidence is currently insufficient to determine the role of this variant in disease. Therefore, it has been classified as a Variant of Uncertain Significance.

NM_006612.6(KIF1C):c.2377G>A (p.Gly793Arg)

Gene: KIF1C (kinesin family member 1C; plus strand). Cytogenetic location: 17p13.2.
Variant type: single nucleotide variant.
Coding change: c.2377G>A on transcript NM_006612.6 (MANE Select); coding-DNA position 2377, G replaced by A.
Protein change: p.Gly793Arg; replaces glycine 793 with arginine.
Molecular consequence: missense variant.
Genome position (GRCh38, 1-based): chr17:5,022,458, G>A. VCF-style: chr17-5022458-G-A. GRCh37 (hg19) VCF-style: chr17-4925753-G-A.
Other names: short protein forms G793R.
Identifiers: ClinVar variation 964685 (VCV000964685.8), dbSNP rs1393424251, ClinGen allele CA397314168.
Genomic context (GRCh38, chr17:5,022,458, plus strand): 5'-GCCCTGGCCGCCCTCAAGATGCGGGAGCTGTGTCGCACCTATGGCAAGCCAGACGGCCCC[G>A]GAGACGCCTGGAGGGCTGTGGCCCGGGATGTCTGGGACACTGTAGGCGAGGAGGAAGGAG-3'
Protein context (NP_006603.2, residues 783-803): CRTYGKPDGP[Gly793Arg]DAWRAVARDV